The following is an entry in ClinVar:

ClinVar aggregate classification (germline): Uncertain significance (1 of 4 stars; one submission).

Submission:

Labcorp Genetics (formerly Invitae), Labcorp
Classification: Uncertain significance. Last evaluated: 2023-10-25. Review status: criteria provided, single submitter. Criteria: Invitae Variant Classification Sherloc (09022015). Collection method: clinical testing. Allele origin: germline.
Comment: This sequence change replaces cysteine, which is neutral and slightly polar, with tyrosine, which is neutral and polar, at codon 4020 of the RNF213 protein (p.Cys4020Tyr). This variant is not present in population databases (gnomAD no frequency). This variant has not been reported in the literature in individuals affected with RNF213-related conditions. An algorithm developed to predict the effect of missense changes on protein structure and function (PolyPhen-2) suggests that this variant is likely to be disruptive. In summary, the available evidence is currently insufficient to determine the role of this variant in disease. Therefore, it has been classified as a Variant of Uncertain Significance.

NM_001256071.3(RNF213):c.12059G>A (p.Cys4020Tyr)

Genes: RNF213-AS1 (RNF213 antisense RNA 1; minus strand), RNF213 (ring finger protein 213; plus strand). Cytogenetic location: 17q25.3.
Variant type: single nucleotide variant.
Coding change: c.12059G>A on transcript NM_001256071.3 (MANE Select); coding-DNA position 12059, G replaced by A.
Protein change: p.Cys4020Tyr; replaces cysteine 4020 with tyrosine.
Molecular consequence: missense variant.
Genome position (GRCh38, 1-based): chr17:80,368,047, G>A. VCF-style: chr17-80368047-G-A. GRCh37 (hg19) VCF-style: chr17-78341847-G-A.
Other names: c.12206G>A, p.Cys4069Tyr (NM_001410195.1, NM_020914.5); short protein forms C4020Y, C4069Y.
Identifiers: ClinVar variation 2769931 (VCV002769931.3), dbSNP rs1599150380, ClinGen allele CA401409127.